The following is an entry in ClinVar:

NM_000176.3(NR3C1):c.2185G>A (p.Val729Ile)

Gene: NR3C1 (nuclear receptor subfamily 3 group C member 1; minus strand). Cytogenetic location: 5q31.3.
Variant type: single nucleotide variant.
Coding change: c.2185G>A on transcript NM_000176.3 (MANE Select); coding-DNA position 2185, G replaced by A.
Protein change: p.Val729Ile; replaces valine 729 with isoleucine.
Molecular consequence: missense variant. On other transcripts: non-coding transcript variant (1), intron variant (1).
Genome position (GRCh38, 1-based): chr5:143,282,038, C>T on the plus strand (G>A on the coding strand, the complement: NR3C1 is on the minus strand). VCF-style: chr5-143282038-C-T. GRCh37 (hg19) VCF-style: chr5-142661603-C-T.
Other names: c.2185G>A, p.Val729Ile (NM_001018074.1, NM_001018075.1, NM_001018076.2 and 4 more transcripts); c.2188G>A, p.Val730Ile (NM_001024094.2, NM_001364183.2, NM_001364184.2 and 1 more transcripts); c.2107G>A, p.Val703Ile (NM_001204258.2); c.1930G>A, p.Val644Ile (NM_001204259.2); c.1918G>A, p.Val640Ile (NM_001204260.2); c.1894G>A, p.Val632Ile (NM_001204261.2); c.1240G>A, p.Val414Ile (NM_001204262.2); c.1195G>A, p.Val399Ile (NM_001204263.2); and 2 more; short protein forms V394I, V399I, V414I, V632I, V640I, V644I, V703I, V729I.
Identifiers: ClinVar variation 2504939 (VCV002504939.2), dbSNP rs1027058734, ClinGen allele CA129252231.

ClinVar aggregate classification (germline): Conflicting classifications of pathogenicity. Review status: criteria provided, conflicting classifications (1 of 4 stars). 2 submissions from 2 submitters: Likely pathogenic (1); Uncertain significance (1). Last evaluated 2024-06-15.

Conditions:
Glucocorticoid resistance. Also called: Glucocorticoid resistance, generalized; Gccr deficiency; Glucocorticoid receptor deficiency; Cortisol resistance from glucocorticoid receptor defect; Gcr deficiency. Identifiers: Orphanet 786, MedGen C1841972, MONDO:0014421, OMIM 615962.

Allele frequency attached by ClinVar (database versions not stated): gnomAD 0.00001.
gnomAD v4.1: 2 of 1,613,308 alleles (0.00012%); highest among the groups gnomAD compares: Admixed American, 0.0017%; no homozygotes.

Submissions (2):

Fulgent Genetics
Classification: Uncertain significance for Glucocorticoid resistance. Last evaluated: 2024-06-15. Review status: criteria provided, single submitter. Criteria: ACMG Guidelines, 2015. Collection method: clinical testing. Allele origin: germline.

GeneDx
Classification: Likely pathogenic. Last evaluated: 2023-05-25. Review status: criteria provided, single submitter. Criteria: GeneDx Variant Classification Process June 2021. Collection method: clinical testing. Allele origin: germline. Affected: yes.
Comment: Published functional studies demonstrate a damaging effect (Malchoff et al., 1993; Charmandari et al., 2004); Not observed in large population cohorts (gnomAD); In silico analysis supports that this missense variant does not alter protein structure/function; This variant is associated with the following publications: (PMID: 9212062, 15070967, 7683692)